The following is an entry in ClinVar:

NM_004174.4(SLC9A3):c.1154-6C>T

Gene: SLC9A3 (solute carrier family 9 member A3). Cytogenetic location: 5p15.33.
Variant type: single nucleotide variant.
Coding change: c.1154-6C>T on transcript NM_004174.4 (MANE Select); 6 bases into the intron before coding-DNA position 1154, C replaced by T.
Molecular consequence: intron variant.
Genome position (GRCh38, 1-based): chr5:482,756, G>A on the plus strand (C>T on the coding strand, the complement: SLC9A3 is on the minus strand). VCF-style: chr5-482756-G-A. GRCh37 (hg19) VCF-style: chr5-482871-G-A.
Other names: c.1154-6C>T (NM_001284351.3, NM_004174.3).
Identifiers: ClinVar variation 1650256 (VCV001650256.10), dbSNP rs768606010, ClinGen allele CA3176048.

ClinVar aggregate classification (germline): Likely benign. Review status: criteria provided, single submitter (1 of 4 stars). 2 submissions from 2 submitters: Likely benign (1). 1 of the submissions does not count toward it. Last evaluated 2026-01-14.

Conditions:
SLC9A3-related disorder. Also called: SLC9A3-related condition.

Allele frequency attached by ClinVar (database versions not stated): gnomAD exomes 0.00003 and 0.00017; gnomAD 0.00004 and 0.00005; TOPMed 0.00006; ExAC 0.00017.
gnomAD v4.1: 47 of 1,592,322 alleles (0.003%); highest among the groups gnomAD compares: Admixed American, 0.077%; no homozygotes.

Submissions (2):

Labcorp Genetics (formerly Invitae), Labcorp
Classification: Likely benign. Last evaluated: 2026-01-14. Review status: criteria provided, single submitter. Criteria: Invitae Variant Classification Sherloc (09022015). Collection method: clinical testing. Allele origin: germline.

PreventionGenetics, part of Exact Sciences
Classification: Likely benign for SLC9A3-related condition. Last evaluated: 2019-06-25. Review status: no assertion criteria provided. Collection method: clinical testing. Allele origin: germline. Not counted in ClinVar's aggregate classification.
Comment: This variant is classified as likely benign based on ACMG/AMP sequence variant interpretation guidelines (Richards et al. 2015 PMID: 25741868, with internal and published modifications).